The following is an entry in ClinVar:

ClinVar aggregate classification (germline): Pathogenic (1 of 4 stars; one submission).

Conditions:
Bethlem myopathy 1A. Also called: MYOPATHY, BENIGN CONGENITAL, WITH CONTRACTURES; Bethlem Muscular Dystrophy; Bethlem myopathy 1. Identifiers: Orphanet 610, MedGen CN029274, MONDO:0024530, OMIM 158810.

Submission:

Labcorp Genetics (formerly Invitae), Labcorp
Classification: Pathogenic for Bethlem myopathy 1A. Last evaluated: 2023-06-26. Review status: criteria provided, single submitter. Criteria: Invitae Variant Classification Sherloc (09022015). Collection method: clinical testing. Allele origin: germline.
Comment: For these reasons, this variant has been classified as Pathogenic. ClinVar contains an entry for this variant (Variation ID: 1456368). This variant has not been reported in the literature in individuals affected with COL6A3-related conditions. This variant is not present in population databases (gnomAD no frequency). This sequence change creates a premature translational stop signal (p.Ala134Leufs*14) in the COL6A3 gene. It is expected to result in an absent or disrupted protein product. Loss-of-function variants in COL6A3 are known to be pathogenic (PMID: 26004199).

Literature cited by the submitters: PubMed 26004199.

NM_004369.4(COL6A3):c.399del (p.Ala134fs)

Gene: COL6A3 (collagen type VI alpha 3 chain; minus strand). Cytogenetic location: 2q37.3.
Variant type: Deletion.
Coding change: c.399del on transcript NM_004369.4 (MANE Select); coding-DNA position 399, one base deleted (T; older notation c.399delT).
Protein change: p.Ala134fs; shifts the reading frame from alanine 134.
Molecular consequence: frameshift variant. On other transcripts: intron variant (4).
Genome position (GRCh38, 1-based): chr2:237,394,897, A deleted on the plus strand (T on the coding strand, the reverse complement: COL6A3 is on the minus strand). VCF-style (leftmost placement, unchanged base first): chr2-237394896-CA-C. GRCh37 (hg19) VCF-style: chr2-238303539-CA-C.
Other names: c.91+1830del (NM_057166.5, NM_057167.4, NM_057164.5 and 1 more transcripts); short protein forms A134fs.
Identifiers: ClinVar variation 1456368 (VCV001456368.6), dbSNP rs2106388332, ClinGen allele CA2573135596.